The following is an entry in ClinVar:

NM_032816.5(CEP89):c.2170T>C (p.Ser724Pro)

Gene: CEP89 (centrosomal protein 89; minus strand). Cytogenetic location: 19q13.11.
Variant type: single nucleotide variant.
Coding change: c.2170T>C on transcript NM_032816.5 (MANE Select); coding-DNA position 2170, T replaced by C.
Protein change: p.Ser724Pro; replaces serine 724 with proline.
Molecular consequence: missense variant.
Genome position (GRCh38, 1-based): chr19:32,879,344, A>G on the plus strand (T>C on the coding strand, the complement: CEP89 is on the minus strand). VCF-style: chr19-32879344-A-G. GRCh37 (hg19) VCF-style: chr19-33370250-A-G.
Other names: c.2170T>C (NM_032816.3); short protein forms S724P.
Identifiers: ClinVar variation 1928815 (VCV001928815.6), dbSNP rs1049468213, ClinGen allele CA307526406.

ClinVar aggregate classification (germline): Uncertain significance. Review status: criteria provided, multiple submitters, no conflicts (2 of 4 stars). 2 submissions from 2 submitters: Uncertain significance (2). Last evaluated 2025-08-04.

Allele frequency attached by ClinVar (database versions not stated): TOPMed below 0.00001.

Submissions (2):

Labcorp Genetics (formerly Invitae), Labcorp
Classification: Uncertain significance. Last evaluated: 2025-08-04. Review status: criteria provided, single submitter. Criteria: Invitae Variant Classification Sherloc (09022015). Collection method: clinical testing. Allele origin: germline.
Comment: This sequence change replaces serine, which is neutral and polar, with proline, which is neutral and non-polar, at codon 724 of the CEP89 protein (p.Ser724Pro). This variant is not present in population databases (gnomAD no frequency). This variant has not been reported in the literature in individuals affected with CEP89-related conditions. ClinVar contains an entry for this variant (Variation ID: 1928815). An algorithm developed to predict the effect of missense changes on protein structure and function (PolyPhen-2) suggests that this variant is likely to be disruptive. In summary, the available evidence is currently insufficient to determine the role of this variant in disease. Therefore, it has been classified as a Variant of Uncertain Significance.

Ambry Genetics
Classification: Uncertain significance. Last evaluated: 2024-09-27. Review status: criteria provided, single submitter. Criteria: Ambry Variant Classification Scheme 2023. Collection method: clinical testing. Allele origin: germline.